The following is an entry in ClinVar:

ClinVar aggregate classification (germline): Uncertain significance. Review status: criteria provided, multiple submitters, no conflicts (2 of 4 stars). 2 submissions from 2 submitters: Uncertain significance (2). Last evaluated 2022-08-23.

Conditions:
Retinitis pigmentosa 74 (RP74). Identifiers: Orphanet 791, MedGen C4225281, MONDO:0014692, OMIM 616562.
Bardet-Biedl syndrome 2 (BBS2). Identifiers: Orphanet 110, MedGen C2936863, MONDO:0014432, OMIM 615981.
Bardet-Biedl syndrome (BBS). Identifiers: Orphanet 110, MedGen C0752166, MONDO:0015229.

Allele frequency attached by ClinVar (database versions not stated): ExAC 0.00001; gnomAD 0.00001; gnomAD exomes 0.00001; TOPMed 0.00002.
gnomAD v4.1: 19 of 1,613,956 alleles (0.0012%); highest among the groups gnomAD compares: African/African-American, 0.011%; 1 homozygote.

Submissions (2):

Labcorp Genetics (formerly Invitae), Labcorp
Classification: Uncertain significance for Bardet-Biedl syndrome. Last evaluated: 2022-08-23. Review status: criteria provided, single submitter. Criteria: Invitae Variant Classification Sherloc (09022015). Collection method: clinical testing. Allele origin: germline.
Comment: This sequence change falls in intron 8 of the BBS2 gene. It does not directly change the encoded amino acid sequence of the BBS2 protein. This variant is present in population databases (rs760109919, gnomAD 0.008%). This variant has not been reported in the literature in individuals affected with BBS2-related conditions. ClinVar contains an entry for this variant (Variation ID: 1391874). Algorithms developed to predict the effect of sequence changes on RNA splicing suggest that this variant may create or strengthen a splice site. In summary, the available evidence is currently insufficient to determine the role of this variant in disease. Therefore, it has been classified as a Variant of Uncertain Significance.

Fulgent Genetics
Classification: Uncertain significance for Bardet-Biedl syndrome 2; Retinitis pigmentosa 74. Last evaluated: 2022-03-09. Review status: criteria provided, single submitter. Criteria: ACMG Guidelines, 2015. Collection method: clinical testing. Allele origin: unknown.

NM_031885.5(BBS2):c.941-20G>A

Gene: BBS2 (Bardet-Biedl syndrome 2; minus strand). Cytogenetic location: 16q13.
Variant type: single nucleotide variant.
Coding change: c.941-20G>A on transcript NM_031885.5 (MANE Select); 20 bases into the intron before coding-DNA position 941, G replaced by A.
Molecular consequence: intron variant.
Genome position (GRCh38, 1-based): chr16:56,502,476, C>T on the plus strand (G>A on the coding strand, the complement: BBS2 is on the minus strand). VCF-style: chr16-56502476-C-T. GRCh37 (hg19) VCF-style: chr16-56536388-C-T.
Other names: c.941-20G>A (NM_001377456.1).
Identifiers: ClinVar variation 1391874 (VCV001391874.4), dbSNP rs760109919, ClinGen allele CA8065866.
Genomic context (GRCh38, chr16:56,502,476, plus strand): 5'-GTTGCCCCTCATCTCAGCCGTGCCAGGCAGGTAGCCCCGGACTGAACAGAAGGAAAAAAC[C>T]GCAAGTATAACCAGGTATACTTTTAGGTCATCAATTACCTGCTCTTAAAAACAAAAACCT-3'